The following is an entry in ClinVar:

NM_031407.7(HUWE1):c.6793G>A (p.Gly2265Ser)

Gene: HUWE1 (HECT, UBA and WWE domain containing E3 ubiquitin protein ligase 1; minus strand). Cytogenetic location: Xp11.22.
Variant type: single nucleotide variant.
Coding change: c.6793G>A on transcript NM_031407.7 (MANE Select); coding-DNA position 6793, G replaced by A.
Protein change: p.Gly2265Ser; replaces glycine 2265 with serine.
Molecular consequence: missense variant.
Genome position (GRCh38, 1-based): chrX:53,565,154, C>T on the plus strand (G>A on the coding strand, the complement: HUWE1 is on the minus strand). VCF-style: chrX-53565154-C-T. GRCh37 (hg19) VCF-style: chrX-53592115-C-T.
Other names: c.6793G>A (NM_031407.4); short protein forms G2265S.
Identifiers: ClinVar variation 3054300 (VCV003054300.5), dbSNP rs138162957, ClinGen allele CA10422045.

ClinVar aggregate classification (germline): Benign/Likely benign. Review status: criteria provided, multiple submitters, no conflicts (2 of 4 stars). 3 submissions from 3 submitters: Benign (1); Likely benign (1). 1 of the submissions does not count toward it. Last evaluated 2025-11-12.

Conditions:
Inborn genetic diseases. Identifiers: MedGen C0950123, MeSH D030342.
HUWE1-related disorder. Also called: HUWE1-related condition.

Allele frequency attached by ClinVar (database versions not stated): gnomAD 0.00019; 1000 Genomes Project 30x 0.00021; TOPMed 0.00025; gnomAD exomes 0.00003; ExAC 0.00008; ESP Exome Variant Server 0.00019; 1000 Genomes Project 0.00026.
gnomAD v4.1: 50 of 1,209,421 alleles (0.0041%); highest among the groups gnomAD compares: African/African-American, 0.08%; no homozygotes.

Submissions (3):

Labcorp Genetics (formerly Invitae), Labcorp
Classification: Benign. Last evaluated: 2025-11-12. Review status: criteria provided, single submitter. Criteria: Invitae Variant Classification Sherloc (09022015). Collection method: clinical testing. Allele origin: germline.

Ambry Genetics
Classification: Likely benign for Inborn genetic diseases. Last evaluated: 2025-02-20. Review status: criteria provided, single submitter. Criteria: Ambry Variant Classification Scheme 2023. Collection method: clinical testing. Allele origin: germline.

PreventionGenetics, part of Exact Sciences
Classification: Likely benign for HUWE1-related condition. Last evaluated: 2022-02-14. Review status: no assertion criteria provided. Collection method: clinical testing. Allele origin: germline. Not counted in ClinVar's aggregate classification.
Comment: This variant is classified as likely benign based on ACMG/AMP sequence variant interpretation guidelines (Richards et al. 2015 PMID: 25741868, with internal and published modifications).